The following is an entry in ClinVar:

ClinVar aggregate classification (germline): Uncertain significance. Review status: criteria provided, single submitter (1 of 4 stars). 2 submissions from 2 submitters: Uncertain significance (1). 1 of the submissions does not count toward it. Last evaluated 2023-09-20.

Conditions:
Retinal dystrophy. Also called: Inherited retinal dystrophy. Identifiers: Orphanet 71862, MedGen C0854723, MeSH D058499, MONDO:0019118, HP:0000556.

Allele frequency attached by ClinVar (database versions not stated): gnomAD exomes below 0.00001; gnomAD 0.00001.
gnomAD v4.1: 4 of 1,596,856 alleles (0.00025%); highest among the groups gnomAD compares: Middle Eastern, 0.017%; no homozygotes.

Submissions (2):

Labcorp Genetics (formerly Invitae), Labcorp
Classification: Uncertain significance. Last evaluated: 2023-09-20. Review status: criteria provided, single submitter. Criteria: Invitae Variant Classification Sherloc (09022015). Collection method: clinical testing. Allele origin: germline.
Comment: In summary, the available evidence is currently insufficient to determine the role of this variant in disease. Therefore, it has been classified as a Variant of Uncertain Significance. Advanced modeling of protein sequence and biophysical properties (such as structural, functional, and spatial information, amino acid conservation, physicochemical variation, residue mobility, and thermodynamic stability) performed at Invitae indicates that this missense variant is not expected to disrupt PITPNM3 protein function. This variant has not been reported in the literature in individuals affected with PITPNM3-related conditions. This variant is not present in population databases (gnomAD no frequency). This sequence change replaces serine, which is neutral and polar, with leucine, which is neutral and non-polar, at codon 892 of the PITPNM3 protein (p.Ser892Leu).

Institute of Human Genetics, Univ. Regensburg, Univ. Regensburg
Classification: Uncertain significance for Retinal dystrophy. Last evaluated: 2020-01-01. Review status: no assertion criteria provided. Criteria: ACMG Guidelines, 2015. Collection method: clinical testing. Allele origin: germline. Affected: yes. Not counted in ClinVar's aggregate classification.

NM_031220.4(PITPNM3):c.2675C>T (p.Ser892Leu)

Gene: PITPNM3 (PITPNM family member 3; minus strand). Cytogenetic location: 17p13.2.
Variant type: single nucleotide variant.
Coding change: c.2675C>T on transcript NM_031220.4 (MANE Select); coding-DNA position 2675, C replaced by T.
Protein change: p.Ser892Leu; replaces serine 892 with leucine.
Molecular consequence: missense variant.
Genome position (GRCh38, 1-based): chr17:6,455,588, G>A on the plus strand (C>T on the coding strand, the complement: PITPNM3 is on the minus strand). VCF-style: chr17-6455588-G-A. GRCh37 (hg19) VCF-style: chr17-6358908-G-A.
Other names: c.2567C>T, p.Ser856Leu (NM_001165966.2); short protein forms S856L, S892L.
Identifiers: ClinVar variation 2820811 (VCV002820811.4), dbSNP rs2150711588, ClinGen allele CA397401191.
Genomic context (GRCh38, chr17:6,455,588, plus strand): 5'-GCGTGCAGCCCGAAGCTGCCCTTGCGCAGGATCATGCGCGAGTTGTTCTTCTTTGGGCGT[G>A]AGCGGTGGCTGGCCTCCAGCGCGGCCAGGTGTGCGGCGTAGCCCTCGCTCAGGAACTGCG-3'
Protein context (NP_112497.2, residues 882-902): HLAALEASHR[Ser892Leu]RPKKNNSRMI